The following is an entry in ClinVar:

ClinVar aggregate classification (germline): Uncertain significance. Review status: criteria provided, multiple submitters, no conflicts (2 of 4 stars). 2 submissions from 2 submitters: Uncertain significance (2). Last evaluated 2022-11-25.

Conditions:
Developmental and epileptic encephalopathy. Identifiers: MedGen C5779964, MONDO:0100620.

Allele frequency attached by ClinVar (database versions not stated): gnomAD exomes below 0.00001; gnomAD 0.00001.
gnomAD v4.1: 4 of 1,613,366 alleles (0.00025%); highest among the groups gnomAD compares: South Asian, 0.0022%; no homozygotes.

Submissions (2):

Blueprint Genetics
Classification: Uncertain significance. Last evaluated: 2022-11-25. Review status: criteria provided, single submitter. Criteria: ACMG Guidelines, 2015. Collection method: clinical testing. Allele origin: germline.

Labcorp Genetics (formerly Invitae), Labcorp
Classification: Uncertain significance for Early-infantile DEE. Last evaluated: 2022-07-14. Review status: criteria provided, single submitter. Criteria: Invitae Variant Classification Sherloc (09022015). Collection method: clinical testing. Allele origin: germline.
Comment: This sequence change replaces arginine, which is basic and polar, with cysteine, which is neutral and slightly polar, at codon 855 of the CACNA2D2 protein (p.Arg855Cys). This variant is present in population databases (no rsID available, gnomAD 0.007%). This variant has not been reported in the literature in individuals affected with CACNA2D2-related conditions. Algorithms developed to predict the effect of missense changes on protein structure and function (SIFT, PolyPhen-2, Align-GVGD) all suggest that this variant is likely to be disruptive. In summary, the available evidence is currently insufficient to determine the role of this variant in disease. Therefore, it has been classified as a Variant of Uncertain Significance.

NM_006030.4(CACNA2D2):c.2563C>T (p.Arg855Cys)

Genes: CACNA2D2 (calcium voltage-gated channel auxiliary subunit alpha2delta 2; minus strand), LOC101928965 (uncharacterized LOC101928965; plus strand), LOC127898564 (CYB561D2-LOC101928965; plus strand). Cytogenetic location: 3p21.31.
Variant type: single nucleotide variant.
Coding change: c.2563C>T on transcript NM_006030.4 (MANE Select); coding-DNA position 2563, C replaced by T.
Protein change: p.Arg855Cys; replaces arginine 855 with cysteine.
Molecular consequence: missense variant.
Genome position (GRCh38, 1-based): chr3:50,366,857, G>A on the plus strand (C>T on the coding strand, the complement: CACNA2D2 is on the minus strand). VCF-style: chr3-50366857-G-A. GRCh37 (hg19) VCF-style: chr3-50404288-G-A.
Other names: c.2563C>T, p.Arg855Cys (NM_001005505.3, NM_001410768.1); c.2584C>T, p.Arg862Cys (NM_001174051.3); c.2356C>T, p.Arg786Cys (NM_001291101.1); short protein forms R786C, R862C, R855C.
Identifiers: ClinVar variation 2180210 (VCV002180210.2), dbSNP rs1302325175, ClinGen allele CA352910509.